The following is an entry in ClinVar:

ClinVar aggregate classification (germline): Uncertain significance. Review status: criteria provided, multiple submitters, no conflicts (2 of 4 stars). 2 submissions from 2 submitters: Uncertain significance (2). Last evaluated 2026-01-14.

Conditions:
Inborn genetic diseases. Identifiers: MedGen C0950123, MeSH D030342.

Submissions (2):

Ambry Genetics
Classification: Uncertain significance for Inborn genetic diseases. Last evaluated: 2026-01-14. Review status: criteria provided, single submitter. Criteria: Ambry Variant Classification Scheme 2023. Collection method: clinical testing. Allele origin: germline.
Comment: The c.5309A>G (p.H1770R) alteration is located in exon 34 (coding exon 33) of the USP9X gene. This alteration results from a A to G substitution at nucleotide position 5309, causing the histidine (H) at amino acid position 1770 to be replaced by an arginine (R). This variant was not reported in population-based cohorts in the Genome Aggregation Database (gnomAD). This amino acid position is highly conserved in available vertebrate species. This missense alteration is located in a region that has a low rate of benign missense variation (Lek, 2016; Firth, 2009). The in silico prediction for this alteration is inconclusive. Based on insufficient or conflicting evidence, the clinical significance of this alteration remains unclear.

Labcorp Genetics (formerly Invitae), Labcorp
Classification: Uncertain significance. Last evaluated: 2023-10-13. Review status: criteria provided, single submitter. Criteria: Invitae Variant Classification Sherloc (09022015). Collection method: clinical testing. Allele origin: germline.
Comment: This sequence change replaces histidine, which is basic and polar, with arginine, which is basic and polar, at codon 1770 of the USP9X protein (p.His1770Arg). This variant is not present in population databases (gnomAD no frequency). This variant has not been reported in the literature in individuals affected with USP9X-related conditions. An algorithm developed to predict the effect of missense changes on protein structure and function (PolyPhen-2) suggests that this variant is likely to be tolerated. In summary, the available evidence is currently insufficient to determine the role of this variant in disease. Therefore, it has been classified as a Variant of Uncertain Significance.

NM_001039591.3(USP9X):c.5309A>G (p.His1770Arg)

Gene: USP9X (ubiquitin specific peptidase 9 X-linked; plus strand). Cytogenetic location: Xp11.4.
Variant type: single nucleotide variant.
Coding change: c.5309A>G on transcript NM_001039591.3 (MANE Select); coding-DNA position 5309, A replaced by G.
Protein change: p.His1770Arg; replaces histidine 1770 with arginine.
Molecular consequence: missense variant.
Genome position (GRCh38, 1-based): chrX:41,214,687, A>G. VCF-style: chrX-41214687-A-G. GRCh37 (hg19) VCF-style: chrX-41073940-A-G.
Other names: c.5309A>G, p.His1770Arg (NM_001039590.3); c.5324A>G, p.His1775Arg (NM_001410748.1, NM_001410749.1); c.5309A>G (NM_001039590.2); short protein forms H1775R, H1770R.
Identifiers: ClinVar variation 2849994 (VCV002849994.4), dbSNP rs2063196143, ClinGen allele CA412788489.
Genomic context (GRCh38, chrX:41,214,687, plus strand): 5'-TTCTTGATTCTTTGGAACAGTATGTCAAAGGAGATTTACTAGAAGGTGCAAATGCATATC[A>G]TTGTGAAAAATGCAATAAAAAGGTACGGGCTGTCCAGTTTTGTTTAATTTTGATTACATT-3'
Protein context (NP_001034680.2, residues 1760-1780): GDLLEGANAY[His1770Arg]CEKCNKKVDT